The following is an entry in ClinVar:

ClinVar aggregate classification (germline): Uncertain significance (1 of 4 stars; one submission).

gnomAD v4.1: 2 of 1,609,370 alleles (0.00012%); highest among the groups gnomAD compares: East Asian, 0.0022%; no homozygotes.

Submission:

GeneDx
Classification: Uncertain significance. Last evaluated: 2025-05-15. Review status: criteria provided, single submitter. Criteria: GeneDx Variant Classification Process June 2021. Collection method: clinical testing. Allele origin: germline. Affected: yes.
Comment: Not observed at significant frequency in large population cohorts (gnomAD); In silico analysis suggests that this missense variant does not alter protein structure/function; Has not been previously published as pathogenic or benign to our knowledge

NM_000441.2(SLC26A4):c.1592A>G (p.Lys531Arg)

Gene: SLC26A4 (solute carrier family 26 member 4; plus strand). Cytogenetic location: 7q22.3.
Variant type: single nucleotide variant.
Coding change: c.1592A>G on transcript NM_000441.2 (MANE Select); coding-DNA position 1592, A replaced by G.
Protein change: p.Lys531Arg; replaces lysine 531 with arginine.
Molecular consequence: missense variant.
Genome position (GRCh38, 1-based): chr7:107,698,089, A>G. VCF-style: chr7-107698089-A-G. GRCh37 (hg19) VCF-style: chr7-107338534-A-G.
Other names: short protein forms K531R.
Identifiers: ClinVar variation 4529583 (VCV004529583.1).